The following is an entry in ClinVar:

NM_020754.4(ARHGAP31):c.100+5TG[3]

Gene: ARHGAP31 (Rho GTPase activating protein 31; plus strand). Cytogenetic location: 3q13.32.
Variant type: Microsatellite.
Coding change: c.100+5TG[3] on transcript NM_020754.4 (MANE Select); three copies in a row of the 2-base unit TG starting at c.100+5; the reference has two copies in a row; one copy, 2 bases duplicated.
Molecular consequence: intron variant.
Genome position (GRCh38, 1-based): chr3:119,295,011-119,295,012, TG duplicated; duplicating any 2 consecutive bases within chr3:119,295,009-119,295,012 gives the same sequence; the position shown is the placement nearest the transcript's 3' end. VCF-style (leftmost placement, unchanged base first): chr3-119295008-A-ATG. GRCh37 (hg19) VCF-style: chr3-119013855-A-ATG.
Identifiers: ClinVar variation 4987121 (VCV004987121.1).

ClinVar aggregate classification (germline): Likely benign (1 of 4 stars; one submission).

Conditions:
ARHGAP31-related disorder. Also called: ARHGAP31-related condition.

Submission:

PreventionGenetics, part of Exact Sciences
Classification: Likely benign for ARHGAP31-related condition. Last evaluated: 2026-01-02. Review status: criteria provided, single submitter. Criteria: ACMG Guidelines, 2015. Collection method: clinical testing. Allele origin: germline.
Comment: This variant is classified as likely benign based on ACMG/AMP sequence variant interpretation guidelines (Richards et al. 2015 PMID: 25741868, with internal and published modifications).